The following is an entry in ClinVar:

ClinVar aggregate classification (germline): Uncertain significance (1 of 4 stars; one submission).

Allele frequency attached by ClinVar (database versions not stated): TOPMed below 0.00001; gnomAD 0.00001.
gnomAD v4.1: 13 of 1,612,390 alleles (0.00081%); highest among the groups gnomAD compares: Admixed American, 0.0033%; no homozygotes.

Submission:

Labcorp Genetics (formerly Invitae), Labcorp
Classification: Uncertain significance. Last evaluated: 2023-09-03. Review status: criteria provided, single submitter. Criteria: Invitae Variant Classification Sherloc (09022015). Collection method: clinical testing. Allele origin: germline.
Comment: This sequence change replaces arginine, which is basic and polar, with histidine, which is basic and polar, at codon 15 of the ERBIN protein (p.Arg15His). This variant is present in population databases (no rsID available, gnomAD 0.003%). This variant has not been reported in the literature in individuals affected with ERBIN-related conditions. An algorithm developed to predict the effect of missense changes on protein structure and function (PolyPhen-2) suggests that this variant is likely to be disruptive. In summary, the available evidence is currently insufficient to determine the role of this variant in disease. Therefore, it has been classified as a Variant of Uncertain Significance.

NM_001253697.2(ERBIN):c.44G>A (p.Arg15His)

Gene: ERBIN (erbb2 interacting protein; plus strand). Cytogenetic location: 5q12.3.
Variant type: single nucleotide variant.
Coding change: c.44G>A on transcript NM_001253697.2 (MANE Select); coding-DNA position 44, G replaced by A.
Protein change: p.Arg15His; replaces arginine 15 with histidine.
Molecular consequence: missense variant.
Genome position (GRCh38, 1-based): chr5:65,992,762, G>A. VCF-style: chr5-65992762-G-A. GRCh37 (hg19) VCF-style: chr5-65288590-G-A.
Other names: c.44G>A, p.Arg15His (NM_001006600.3, NM_001253698.2, NM_001253699.2 and 2 more transcripts); short protein forms R15H.
Identifiers: ClinVar variation 2719943 (VCV002719943.3), dbSNP rs949907598, ClinGen allele CA120403229.